The following is an entry in ClinVar:

ClinVar aggregate classification (germline): Uncertain significance (1 of 4 stars; one submission).

Submission:

CeGaT Center for Human Genetics Tuebingen
Classification: Uncertain significance. Last evaluated: 2022-11-01. Review status: criteria provided, single submitter. Criteria: CeGaT Center For Human Genetics Tuebingen Variant Classification Criteria Version 2. Collection method: clinical testing. Allele origin: germline. Affected: yes. Observed: 1 variant allele.
Comment: PNPLA6: PM2, PP3

NM_001166114.2(PNPLA6):c.2947C>G (p.His983Asp)

Gene: PNPLA6 (patatin like domain 6, lysophospholipase; plus strand). Cytogenetic location: 19p13.2.
Variant type: single nucleotide variant.
Coding change: c.2947C>G on transcript NM_001166114.2 (MANE Select); coding-DNA position 2947, C replaced by G.
Protein change: p.His983Asp; replaces histidine 983 with aspartic acid.
Molecular consequence: missense variant.
Genome position (GRCh38, 1-based): chr19:7,555,617, C>G. VCF-style: chr19-7555617-C-G. GRCh37 (hg19) VCF-style: chr19-7620503-C-G.
Other names: c.2977C>G, p.His993Asp (NM_001166111.2); c.2752C>G, p.His918Asp (NM_001166112.2); c.2833C>G, p.His945Asp (NM_001166113.1, NM_006702.5); short protein forms H918D, H945D, H983D, H993D.
Identifiers: ClinVar variation 2649165 (VCV002649165.24), dbSNP rs2512555563, ClinGen allele CA403131212.